The following is an entry in ClinVar:

ClinVar aggregate classification (germline): Likely benign. Review status: criteria provided, multiple submitters, no conflicts (2 of 4 stars). 3 submissions from 3 submitters: Likely benign (3). Last evaluated 2025-12-30.

Conditions:
ABCC12-related condition.

Allele frequency attached by ClinVar (database versions not stated): gnomAD 0.00239 and 0.00249; gnomAD exomes 0.00242 and 0.00341; ESP Exome Variant Server 0.00323; ExAC 0.00342; 1000 Genomes Project 30x 0.00047; 1000 Genomes Project 0.00060; TOPMed 0.00223.
gnomAD v4.1: 5,245 of 1,610,364 alleles (0.33%); highest among the groups gnomAD compares: Non-Finnish European, 0.41%; 13 homozygotes.

Submissions (3):

PreventionGenetics, part of Exact Sciences
Classification: Likely benign for ABCC12-related condition. Last evaluated: 2025-12-30. Review status: criteria provided, single submitter. Criteria: ACMG Guidelines, 2015. Collection method: clinical testing. Allele origin: germline.
Comment: This variant is classified as likely benign based on ACMG/AMP sequence variant interpretation guidelines (Richards et al. 2015 PMID: 25741868, with internal and published modifications).

Labcorp Genetics (formerly Invitae), Labcorp
Classification: Likely benign. Last evaluated: 2019-12-31. Review status: criteria provided, single submitter. Criteria: Invitae Variant Classification Sherloc (09022015). Collection method: clinical testing. Allele origin: germline.

Breakthrough Genomics
Classification: Likely benign. Review status: criteria provided, single submitter. Criteria: ACMG Guidelines, 2015. Collection method: not provided. Allele origin: germline. Inheritance: Unknown mechanism. Affected: yes.

NM_001393797.1(ABCC12):c.2491C>T (p.Gln831Ter)

Gene: ABCC12 (ATP binding cassette subfamily C member 12; minus strand). Cytogenetic location: 16q12.1.
Variant type: single nucleotide variant.
Coding change: c.2491C>T on transcript NM_001393797.1 (MANE Select); coding-DNA position 2491, C replaced by T.
Protein change: p.Gln831Ter; replaces glutamine 831 with a stop codon.
Molecular consequence: nonsense. On other transcripts: non-coding transcript variant (6).
Genome position (GRCh38, 1-based): chr16:48,105,321, G>A on the plus strand (C>T on the coding strand, the complement: ABCC12 is on the minus strand). VCF-style: chr16-48105321-G-A. GRCh37 (hg19) VCF-style: chr16-48139232-G-A.
Other names: c.2491C>T, p.Gln831Ter (NM_033226.3); short protein forms Q831*.
Identifiers: ClinVar variation 777253 (VCV000777253.6), dbSNP rs151150316, ClinGen allele CA8042046.